The following is an entry in ClinVar:

NM_001165963.4(SCN1A):c.2086T>A (p.Ser696Thr)

Gene: SCN1A (sodium voltage-gated channel alpha subunit 1; minus strand). Cytogenetic location: 2q24.3.
Variant type: single nucleotide variant.
Coding change: c.2086T>A on transcript NM_001165963.4 (MANE Select); coding-DNA position 2086, T replaced by A.
Protein change: p.Ser696Thr; replaces serine 696 with threonine.
Molecular consequence: missense variant. On other transcripts: 5 prime UTR variant (1), non-coding transcript variant (1).
Genome position (GRCh38, 1-based): chr2:166,042,382, A>T on the plus strand (T>A on the coding strand, the complement: SCN1A is on the minus strand). VCF-style: chr2-166042382-A-T. GRCh37 (hg19) VCF-style: chr2-166898892-A-T.
Other names: c.2002T>A, p.Ser668Thr (NM_001165964.3, NM_001353957.2, NM_001353958.2); c.2086T>A, p.Ser696Thr (NM_001202435.3, NM_001353948.2); c.2053T>A, p.Ser685Thr (NM_001353949.2, NM_001353950.2, NM_001353951.2 and 2 more transcripts); c.2050T>A, p.Ser684Thr (NM_001353954.2, NM_001353955.2); c.1999T>A, p.Ser667Thr (NM_001353960.2); c.-373T>A (NM_001353961.2); short protein forms S667T, S668T, S684T, S685T, S696T.
Identifiers: ClinVar variation 4800284 (VCV004800284.1).
Genomic context (GRCh38, chr2:166,042,382, plus strand): 5'-TACTCATTGCTCGTTGCCTTTGGGAAGGATCTTCTAGAAAGTCCATGGAAACGTGGAAAG[A>T]ACTTGACCTTCTCTTTCTCATTTCAGTTTCAGTGGTTGTTCCCTGTAAAAAAAAATGCTA-3'
Protein context (NP_001159435.1, residues 686-706): ETEMRKRRSS[Ser696Thr]FHVSMDFLED

ClinVar aggregate classification (germline): Uncertain significance (1 of 4 stars; one submission).

Conditions:
Early-infantile DEE. Also called: Early infantile epileptic encephalopathy with suppression bursts; Early infantile epileptic encephalopathy; Ohtahara syndrome. Identifiers: Orphanet 1934, MedGen C0393706, MONDO:0800491.

Submission:

Labcorp Genetics (formerly Invitae), Labcorp
Classification: Uncertain significance for Early-infantile DEE. Last evaluated: 2025-02-28. Review status: criteria provided, single submitter. Criteria: Invitae Variant Classification Sherloc (09022015). Collection method: clinical testing. Allele origin: germline.
Comment: This sequence change replaces serine, which is neutral and polar, with threonine, which is neutral and polar, at codon 696 of the SCN1A protein (p.Ser696Thr). This variant is not present in population databases (gnomAD no frequency). This variant has not been reported in the literature in individuals affected with SCN1A-related conditions. Invitae Evidence Modeling of protein sequence and biophysical properties (such as structural, functional, and spatial information, amino acid conservation, physicochemical variation, residue mobility, and thermodynamic stability) has been performed for this missense variant. However, the output from this modeling did not meet the statistical confidence thresholds required to predict the impact of this variant on SCN1A protein function. In summary, the available evidence is currently insufficient to determine the role of this variant in disease. Therefore, it has been classified as a Variant of Uncertain Significance.